The following is an entry in ClinVar:

ClinVar aggregate classification (germline): Uncertain significance. Review status: criteria provided, multiple submitters, no conflicts (2 of 4 stars). 2 submissions from 2 submitters: Uncertain significance (2). Last evaluated 2025-12-11.

Conditions:
Inborn genetic diseases. Identifiers: MedGen C0950123, MeSH D030342.

Allele frequency attached by ClinVar (database versions not stated): TOPMed below 0.00001; gnomAD 0.00001.
gnomAD v4.1: 1 of 1,613,812 alleles (0.000062%); highest among the groups gnomAD compares: African/African-American, 0.0013%; no homozygotes.

Submissions (2):

Ambry Genetics
Classification: Uncertain significance for Inborn genetic diseases. Last evaluated: 2025-12-11. Review status: criteria provided, single submitter. Criteria: Ambry Variant Classification Scheme 2023. Collection method: clinical testing. Allele origin: germline.

Labcorp Genetics (formerly Invitae), Labcorp
Classification: Uncertain significance. Last evaluated: 2025-06-12. Review status: criteria provided, single submitter. Criteria: Invitae Variant Classification Sherloc (09022015). Collection method: clinical testing. Allele origin: germline.
Comment: This sequence change replaces leucine, which is neutral and non-polar, with valine, which is neutral and non-polar, at codon 25 of the SCNN1B protein (p.Leu25Val). This variant is not present in population databases (gnomAD no frequency). This variant has not been reported in the literature in individuals affected with SCNN1B-related conditions. ClinVar contains an entry for this variant (Variation ID: 1976055). Invitae Evidence Modeling of protein sequence and biophysical properties (such as structural, functional, and spatial information, amino acid conservation, physicochemical variation, residue mobility, and thermodynamic stability) indicates that this missense variant is not expected to disrupt SCNN1B protein function with a negative predictive value of 80%. In summary, the available evidence is currently insufficient to determine the role of this variant in disease. Therefore, it has been classified as a Variant of Uncertain Significance.

NM_000336.3(SCNN1B):c.73C>G (p.Leu25Val)

Gene: SCNN1B (sodium channel epithelial 1 subunit beta; plus strand). Cytogenetic location: 16p12.2.
Variant type: single nucleotide variant.
Coding change: c.73C>G on transcript NM_000336.3 (MANE Select); coding-DNA position 73, C replaced by G.
Protein change: p.Leu25Val; replaces leucine 25 with valine.
Molecular consequence: missense variant.
Genome position (GRCh38, 1-based): chr16:23,348,672, C>G. VCF-style: chr16-23348672-C-G. GRCh37 (hg19) VCF-style: chr16-23359993-C-G.
Other names: c.73C>G, p.Leu25Val (NM_001410900.1); c.73C>G (NM_000336.2); short protein forms L25V.
Identifiers: ClinVar variation 1976055 (VCV001976055.6), dbSNP rs1006421696, ClinGen allele CA279516197.